The following is an entry in ClinVar:

NM_001481.3(DRC4):c.1235C>T (p.Ser412Leu)

Gene: DRC4 (dynein regulatory complex subunit 4; plus strand). Cytogenetic location: 16q24.3.
Variant type: single nucleotide variant.
Coding change: c.1235C>T on transcript NM_001481.3 (MANE Select); coding-DNA position 1235, C replaced by T.
Protein change: p.Ser412Leu; replaces serine 412 with leucine.
Molecular consequence: missense variant.
Genome position (GRCh38, 1-based): chr16:90,042,483, C>T. VCF-style: chr16-90042483-C-T. GRCh37 (hg19) VCF-style: chr16-90108891-C-T.
Other names: c.986C>T, p.Ser329Leu (NM_001286205.2); c.659C>T, p.Ser220Leu (NM_001286208.2); c.1160C>T, p.Ser387Leu (NM_001286209.2); c.1235C>T (NM_001481.2); short protein forms S220L, S329L, S387L, S412L.
Identifiers: ClinVar variation 1440836 (VCV001440836.4), dbSNP rs548463078, ClinGen allele CA8258182.

ClinVar aggregate classification (germline): Uncertain significance. Review status: criteria provided, multiple submitters, no conflicts (2 of 4 stars). 2 submissions from 2 submitters: Uncertain significance (2). Last evaluated 2022-07-17.

Conditions:
Primary ciliary dyskinesia 33. Also called: CILIARY DYSKINESIA, PRIMARY, 33, WITHOUT SITUS INVERSUS. Identifiers: Orphanet 244, MedGen C4225230, MONDO:0014750, OMIM 616726.
Inborn genetic diseases. Identifiers: MedGen C0950123, MeSH D030342.

Allele frequency attached by ClinVar (database versions not stated): gnomAD 0.00002 and 0.00003.
gnomAD v4.1: 51 of 1,613,586 alleles (0.0032%); highest among the groups gnomAD compares: East Asian, 0.0045%; no homozygotes.

Submissions (2):

Labcorp Genetics (formerly Invitae), Labcorp
Classification: Uncertain significance for Primary ciliary dyskinesia 33. Last evaluated: 2022-07-17. Review status: criteria provided, single submitter. Criteria: Invitae Variant Classification Sherloc (09022015). Collection method: clinical testing. Allele origin: germline.
Comment: This sequence change replaces serine, which is neutral and polar, with leucine, which is neutral and non-polar, at codon 412 of the GAS8 protein (p.Ser412Leu). This variant is present in population databases (rs548463078, gnomAD 0.01%). This variant has not been reported in the literature in individuals affected with GAS8-related conditions. ClinVar contains an entry for this variant (Variation ID: 1440836). Algorithms developed to predict the effect of missense changes on protein structure and function are either unavailable or do not agree on the potential impact of this missense change (SIFT: "Deleterious"; PolyPhen-2: "Benign"; Align-GVGD: "Class C15"). In summary, the available evidence is currently insufficient to determine the role of this variant in disease. Therefore, it has been classified as a Variant of Uncertain Significance.

Ambry Genetics
Classification: Uncertain significance for Inborn genetic diseases. Last evaluated: 2022-06-09. Review status: criteria provided, single submitter. Criteria: Ambry Variant Classification Scheme 2023. Collection method: clinical testing. Allele origin: germline.